The following is an entry in ClinVar:

ClinVar aggregate classification (germline): Uncertain significance (1 of 4 stars; one submission).

Allele frequency attached by ClinVar (database versions not stated): gnomAD exomes below 0.00001; TOPMed 0.00002.
gnomAD v4.1: 5 of 1,572,082 alleles (0.00032%); highest among the groups gnomAD compares: East Asian, 0.011%; no homozygotes.

Submission:

Labcorp Genetics (formerly Invitae), Labcorp
Classification: Uncertain significance. Last evaluated: 2022-11-01. Review status: criteria provided, single submitter. Criteria: Invitae Variant Classification Sherloc (09022015). Collection method: clinical testing. Allele origin: germline.
Comment: In summary, the available evidence is currently insufficient to determine the role of this variant in disease. Therefore, it has been classified as a Variant of Uncertain Significance. Algorithms developed to predict the effect of sequence changes on RNA splicing suggest that this variant may disrupt the consensus splice site. This variant has not been reported in the literature in individuals affected with POC5-related conditions. This variant is present in population databases (no rsID available, gnomAD 0.02%). This sequence change falls in intron 2 of the POC5 gene. It does not directly change the encoded amino acid sequence of the POC5 protein.

NM_001099271.2(POC5):c.85-7C>G

Gene: POC5 (POC5 centriolar protein; minus strand). Cytogenetic location: 5q13.3.
Variant type: single nucleotide variant.
Coding change: c.85-7C>G on transcript NM_001099271.2 (MANE Select); 7 bases into the intron before coding-DNA position 85, C replaced by G.
Molecular consequence: intron variant.
Genome position (GRCh38, 1-based): chr5:75,707,882, G>C on the plus strand (C>G on the coding strand, the complement: POC5 is on the minus strand). VCF-style: chr5-75707882-G-C. GRCh37 (hg19) VCF-style: chr5-75003707-G-C.
Other names: c.10-7C>G (NM_152408.3).
Identifiers: ClinVar variation 1965918 (VCV001965918.5), dbSNP rs1331706230, ClinGen allele CA560471539.
Genomic context (GRCh38, chr5:75,707,882, plus strand): 5'-GGGTTCAATATTTGGAGTCACTATAGCATAATGAAGCAGTTCTTCATATTCTTCCTAAGA[G>C]AGGCCAATAATCAATAATGTAGTGTAACAGTTACAATGTTATAATATATTCAACTGAATT-3'